The following is an entry in ClinVar:

NM_001363.5(DKC1):c.42GAA[1] (p.Lys17del)

Gene: DKC1 (dyskerin pseudouridine synthase 1; plus strand). Cytogenetic location: Xq28.
Variant type: Microsatellite.
Coding change: c.42GAA[1] on transcript NM_001363.5 (MANE Select); one copy of the 3-base unit GAA starting at c.42; the reference has two copies in a row; one copy, 3 bases deleted; also written c.45_47del.
Protein change: p.Lys17del; deletes lysine 17.
Molecular consequence: inframe deletion. On other transcripts: non-coding transcript variant (3).
Genome position (GRCh38, 1-based): chrX:154,764,927-154,764,929, GAA deleted; deleting any 3 consecutive bases within chrX:154,764,922-154,764,929 gives the same sequence; the position shown is the placement nearest the transcript's 3' end. VCF-style (leftmost placement, unchanged base first): chrX-154764921-TAAG-T. GRCh37 (hg19) VCF-style: chrX-153993196-TAAG-T.
Other names: c.42GAA[1], p.Lys17del (NM_001142463.3, NM_001288747.2); c.45_47del (NM_001363.5); short protein forms K17del.
Identifiers: ClinVar variation 960459 (VCV000960459.11), dbSNP rs782201995, ClinGen allele CA10566953.

ClinVar aggregate classification (germline): Conflicting classifications of pathogenicity. Review status: criteria provided, conflicting classifications (1 of 4 stars). 3 submissions from 3 submitters: Uncertain significance (2); Likely benign (1). Last evaluated 2026-05-01.

Conditions:
Dyskeratosis congenita. Identifiers: Orphanet 1775, MedGen C0265965, MONDO:0015780.
Dyskeratosis congenita, X-linked (DKCX). Also called: Zinsser-Cole-Engman Syndrome. Identifiers: MedGen C1148551, MONDO:0010584, OMIM 305000.

Submissions (3):

CeGaT Center for Human Genetics Tuebingen
Classification: Likely benign. Last evaluated: 2026-05-01. Review status: criteria provided, single submitter. Criteria: CeGaT Center For Human Genetics Tuebingen Variant Classification Criteria Version 2. Collection method: clinical testing. Allele origin: germline. Affected: yes. Observed: 1 variant allele.
Comment: DKC1: PM4:Supporting, BS2

Labcorp Genetics (formerly Invitae), Labcorp
Classification: Uncertain significance for Dyskeratosis congenita. Last evaluated: 2024-07-17. Review status: criteria provided, single submitter. Criteria: Invitae Variant Classification Sherloc (09022015). Collection method: clinical testing. Allele origin: germline.
Comment: This variant, c.45_47del, results in the deletion of 1 amino acid(s) of the DKC1 protein (p.Lys17del), but otherwise preserves the integrity of the reading frame. This variant is present in population databases (rs782201995, gnomAD 0.03%). This variant has not been reported in the literature in individuals affected with DKC1-related conditions. ClinVar contains an entry for this variant (Variation ID: 960459). Experimental studies and prediction algorithms are not available or were not evaluated, and the functional significance of this variant is currently unknown. In summary, the available evidence is currently insufficient to determine the role of this variant in disease. Therefore, it has been classified as a Variant of Uncertain Significance.

Fulgent Genetics
Classification: Uncertain significance for Dyskeratosis congenita, X-linked. Last evaluated: 2021-10-04. Review status: criteria provided, single submitter. Criteria: ACMG Guidelines, 2015. Collection method: clinical testing. Allele origin: unknown.